The following is an entry in ClinVar:

NM_019066.5(MAGEL2):c.606T>A (p.Pro202=)

Gene: MAGEL2 (MAGE family member L2; minus strand). Cytogenetic location: 15q11.2.
Variant type: single nucleotide variant.
Coding change: c.606T>A on transcript NM_019066.5 (MANE Select); coding-DNA position 606, T replaced by A.
Protein change: p.Pro202=; no amino-acid change (proline 202 retained).
Molecular consequence: synonymous variant.
Genome position (GRCh38, 1-based): chr15:23,647,137, A>T on the plus strand (T>A on the coding strand, the complement: MAGEL2 is on the minus strand). VCF-style: chr15-23647137-A-T. GRCh37 (hg19) VCF-style: chr15-23892284-A-T.
Identifiers: ClinVar variation 4776709 (VCV004776709.1).

ClinVar aggregate classification (germline): Uncertain significance (1 of 4 stars; one submission).

Submission:

Labcorp Genetics (formerly Invitae), Labcorp
Classification: Uncertain significance. Last evaluated: 2025-05-01. Review status: criteria provided, single submitter. Criteria: Invitae Variant Classification Sherloc (09022015). Collection method: clinical testing. Allele origin: germline.
Comment: This sequence change affects codon 202 of the MAGEL2 mRNA. It is a 'silent' change, meaning that it does not change the encoded amino acid sequence of the MAGEL2 protein. This variant is not present in population databases (gnomAD no frequency). This variant has not been reported in the literature in individuals affected with MAGEL2-related conditions. In summary, the available evidence is currently insufficient to determine the role of this variant in disease. Therefore, it has been classified as a Variant of Uncertain Significance.